The following is an entry in ClinVar:

NM_000016.6(ACADM):c.554T>G (p.Ile185Ser)

Gene: ACADM (acyl-CoA dehydrogenase medium chain; plus strand). Cytogenetic location: 1p31.1.
Variant type: single nucleotide variant.
Coding change: c.554T>G on transcript NM_000016.6 (MANE Select); coding-DNA position 554, T replaced by G.
Protein change: p.Ile185Ser; replaces isoleucine 185 with serine.
Molecular consequence: missense variant. On other transcripts: 5 prime UTR variant (1).
Genome position (GRCh38, 1-based): chr1:75,740,065, T>G. VCF-style: chr1-75740065-T-G. GRCh37 (hg19) VCF-style: chr1-76205750-T-G.
Other names: c.566T>G, p.Ile189Ser (NM_001127328.3); c.446T>G, p.Ile149Ser (NM_001286042.2); c.653T>G, p.Ile218Ser (NM_001286043.2); c.-14T>G (NM_001286044.2); short protein forms I185S, I189S, I218S, I149S.
Identifiers: ClinVar variation 836737 (VCV000836737.9), dbSNP rs1647480996, ClinGen allele CA340815312.
Genomic context (GRCh38, chr1:75,740,065, plus strand): 5'-CAGGCTCTGATGTAGCTGGTATAAAGACCAAAGCAGAAAAGAAAGGAGATGAGTATATTA[T>G]TAATGGTCAGAAGATGTGGATAACCAACGGAGGAAAAGCTAATTGGTATGTTGTTCAAAA-3'
Protein context (NP_000007.1, residues 175-195): KAEKKGDEYI[Ile185Ser]NGQKMWITNG

ClinVar aggregate classification (germline): Uncertain significance (1 of 4 stars; one submission).

Conditions:
Medium-chain acyl-coenzyme A dehydrogenase deficiency (ACADMD). Also called: MCADH DEFICIENCY; ACADM DEFICIENCY; MCADD; MCAD Deficiency; CARNITINE DEFICIENCY SECONDARY TO MEDIUM-CHAIN ACYL-CoA DEHYDROGENASE DEFICIENCY; Medium chain acyl-CoA dehydrogenase deficiency. Identifiers: Orphanet 42, MedGen C0220710, MONDO:0008721, OMIM 201450.

Allele frequency attached by ClinVar (database versions not stated): TOPMed below 0.00001; gnomAD 0.00001.
gnomAD v4.1: 1 of 1,612,464 alleles (0.000062%); no homozygotes.

Submission:

Labcorp Genetics (formerly Invitae), Labcorp
Classification: Uncertain significance for Medium-chain acyl-coenzyme A dehydrogenase deficiency. Last evaluated: 2019-03-28. Review status: criteria provided, single submitter. Criteria: Invitae Variant Classification Sherloc (09022015). Collection method: clinical testing. Allele origin: germline.
Comment: In summary, the available evidence is currently insufficient to determine the role of this variant in disease. Therefore, it has been classified as a Variant of Uncertain Significance. This variant disrupts the p.Ile185 amino acid residue in ACADM. Other variant(s) that disrupt this residue have been determined to be pathogenic (PMID: 20434380, Invitae). This suggests that this residue is clinically significant, and that variants that disrupt this residue are likely to be disease-causing. Algorithms developed to predict the effect of missense changes on protein structure and function (SIFT, PolyPhen-2, Align-GVGD) all suggest that this variant is likely to be disruptive, but these predictions have not been confirmed by published functional studies and their clinical significance is uncertain. This variant has not been reported in the literature in individuals with ACADM-related conditions. This variant is not present in population databases (ExAC no frequency). This sequence change replaces isoleucine with serine at codon 185 of the ACADM protein (p.Ile185Ser). The isoleucine residue is highly conserved and there is a large physicochemical difference between isoleucine and serine.

Literature cited by the submitters: PubMed 20434380.